The following is an entry in ClinVar:

NM_001430.5(EPAS1):c.1930C>T (p.Pro644Ser)

Gene: EPAS1 (endothelial PAS domain protein 1; plus strand). Cytogenetic location: 2p21.
Variant type: single nucleotide variant.
Coding change: c.1930C>T on transcript NM_001430.5 (MANE Select); coding-DNA position 1930, C replaced by T.
Protein change: p.Pro644Ser; replaces proline 644 with serine.
Molecular consequence: missense variant.
Genome position (GRCh38, 1-based): chr2:46,380,602, C>T. VCF-style: chr2-46380602-C-T. GRCh37 (hg19) VCF-style: chr2-46607741-C-T.
Other names: short protein forms P644S.
Identifiers: ClinVar variation 2565074 (VCV002565074.2), dbSNP rs1684865798, ClinGen allele CA346705174.

ClinVar aggregate classification (germline): Uncertain significance (1 of 4 stars; one submission).

Conditions:
Inborn genetic diseases. Identifiers: MedGen C0950123, MeSH D030342.

Allele frequency attached by ClinVar (database versions not stated): gnomAD exomes below 0.00001; TOPMed below 0.00001.
gnomAD v4.1: 1 of 1,614,134 alleles (0.000062%); no homozygotes.

Submission:

Ambry Genetics
Classification: Uncertain significance for Inborn genetic diseases. Last evaluated: 2023-06-01. Review status: criteria provided, single submitter. Criteria: Ambry Variant Classification Scheme 2023. Collection method: clinical testing. Allele origin: germline.
Comment: The p.P644S variant (also known as c.1930C>T), located in coding exon 12 of the EPAS1 gene, results from a C to T substitution at nucleotide position 1930. The proline at codon 644 is replaced by serine, an amino acid with similar properties. This amino acid position is conserved. In addition, this alteration is predicted to be tolerated by in silico analysis. Since supporting evidence is limited at this time, the clinical significance of this alteration remains unclear.